The following is an entry in ClinVar:

ClinVar aggregate classification (germline): Uncertain significance. Review status: criteria provided, multiple submitters, no conflicts (2 of 4 stars). 3 submissions from 3 submitters: Uncertain significance (3). Last evaluated 2022-05-24.

Conditions:
Joubert syndrome. Also called: Familial aplasia of the vermis; CEREBELLOPARENCHYMAL DISORDER IV; JOUBERT-BOLTSHAUSER SYNDROME. Identifiers: Orphanet 475, MedGen C5979921, MONDO:0018772.
Meckel-Gruber syndrome. Also called: Dysencephalia splachnocystica; DYSENCEPHALIA SPLANCHNOCYSTICA; GRUBER SYNDROME. Identifiers: Orphanet 564, MedGen C0265215, MONDO:0018921.
Nephronophthisis. Also called: Juvenile Nephronophthisis. Identifiers: Orphanet 655, MedGen C0687120, MONDO:0019005, HP:0000090.
Leber congenital amaurosis 10 (LCA10). Identifiers: Orphanet 65, MedGen C1857821, MONDO:0012723, OMIM 611755.
Meckel syndrome, type 4 (MKS4). Also called: MECKEL-GRUBER SYNDROME, TYPE 4. Identifiers: Orphanet 564, MedGen C1970161, MONDO:0012626, OMIM 611134.
Joubert syndrome 5 (JBTS5). Identifiers: Orphanet 2318, MedGen C1857780, MONDO:0012432, OMIM 610188.
Bardet-Biedl syndrome 14 (BBS14). Identifiers: Orphanet 110, MedGen C2673874, MONDO:0014442, OMIM 615991.
Senior-Loken syndrome 6 (SLSN6). Identifiers: Orphanet 3156, MedGen C1857779, MONDO:0012433, OMIM 610189.

Allele frequency attached by ClinVar (database versions not stated): gnomAD exomes below 0.00001.

Submissions (3):

Fulgent Genetics
Classification: Uncertain significance for Joubert syndrome 5; Senior-Loken syndrome 6; Meckel syndrome, type 4; Leber congenital amaurosis 10; Bardet-Biedl syndrome 14. Last evaluated: 2022-05-24. Review status: criteria provided, single submitter. Criteria: ACMG Guidelines, 2015. Collection method: clinical testing. Allele origin: unknown.

Labcorp Genetics (formerly Invitae), Labcorp
Classification: Uncertain significance for Joubert syndrome; Meckel-Gruber syndrome; Nephronophthisis. Last evaluated: 2021-09-01. Review status: criteria provided, single submitter. Criteria: Invitae Variant Classification Sherloc (09022015). Collection method: clinical testing. Allele origin: germline.
Comment: This sequence change replaces methionine with isoleucine at codon 2190 of the CEP290 protein (p.Met2190Ile). The methionine residue is moderately conserved and there is a small physicochemical difference between methionine and isoleucine. This variant is not present in population databases (ExAC no frequency). This variant has not been reported in the literature in individuals affected with CEP290-related conditions. Algorithms developed to predict the effect of missense changes on protein structure and function output the following: SIFT: "Tolerated"; PolyPhen-2: "Benign"; Align-GVGD: "Class C0". The isoleucine amino acid residue is found in multiple mammalian species, which suggests that this missense change does not adversely affect protein function. In summary, the available evidence is currently insufficient to determine the role of this variant in disease. Therefore, it has been classified as a Variant of Uncertain Significance.

Breakthrough Genomics
Classification: Uncertain significance. Review status: criteria provided, single submitter. Criteria: ACMG Guidelines, 2015. Collection method: not provided. Allele origin: germline. Inheritance: Autosomal recessive inheritance. Affected: yes.

NM_025114.4(CEP290):c.6570G>A (p.Met2190Ile)

Gene: CEP290 (centrosomal protein 290; minus strand). Cytogenetic location: 12q21.32.
Variant type: single nucleotide variant.
Coding change: c.6570G>A on transcript NM_025114.4 (MANE Select); coding-DNA position 6570, G replaced by A.
Protein change: p.Met2190Ile; replaces methionine 2190 with isoleucine.
Molecular consequence: missense variant.
Genome position (GRCh38, 1-based): chr12:88,059,973, C>T on the plus strand (G>A on the coding strand, the complement: CEP290 is on the minus strand). VCF-style: chr12-88059973-C-T. GRCh37 (hg19) VCF-style: chr12-88453750-C-T.
Other names: short protein forms M2190I.
Identifiers: ClinVar variation 1060028 (VCV001060028.8), dbSNP rs1480802620, ClinGen allele CA385978250.
Genomic context (GRCh38, chr12:88,059,973, plus strand): 5'-ACGAAGCCTTTCATTTTCAGCAATAATTTTTTCTGTGCCTTTGGTCTTGGATTCATAGTG[C>T]ATGCTCAACTGATGCCCAAGATGAGCTTTAAGTTTTTCTAATTCAGCCTAGTAAAAAAAC-3'
Protein context (NP_079390.3, residues 2180-2200): LKAHLGHQLS[Met2190Ile]HYESKTKGTE